The following is an entry in ClinVar:

ClinVar aggregate classification (germline): Uncertain significance (1 of 4 stars; one submission).

Allele frequency attached by ClinVar (database versions not stated): gnomAD 0.00001; TOPMed 0.00001.
gnomAD v4.1: 7 of 1,612,750 alleles (0.00043%); highest among the groups gnomAD compares: Admixed American, 0.005%; no homozygotes.

Submission:

Labcorp Genetics (formerly Invitae), Labcorp
Classification: Uncertain significance. Last evaluated: 2022-04-26. Review status: criteria provided, single submitter. Criteria: Invitae Variant Classification Sherloc (09022015). Collection method: clinical testing. Allele origin: germline.
Comment: This sequence change replaces glutamine, which is neutral and polar, with histidine, which is basic and polar, at codon 63 of the MRPL3 protein (p.Gln63His). This variant is present in population databases (no rsID available, gnomAD 0.007%). This variant has not been reported in the literature in individuals affected with MRPL3-related conditions. Algorithms developed to predict the effect of missense changes on protein structure and function (SIFT, PolyPhen-2, Align-GVGD) all suggest that this variant is likely to be tolerated. In summary, the available evidence is currently insufficient to determine the role of this variant in disease. Therefore, it has been classified as a Variant of Uncertain Significance.

NM_007208.4(MRPL3):c.189G>T (p.Gln63His)

Gene: MRPL3 (mitochondrial ribosomal protein L3; minus strand). Cytogenetic location: 3q22.1.
Variant type: single nucleotide variant.
Coding change: c.189G>T on transcript NM_007208.4 (MANE Select); coding-DNA position 189, G replaced by T.
Protein change: p.Gln63His; replaces glutamine 63 with histidine.
Molecular consequence: missense variant.
Genome position (GRCh38, 1-based): chr3:131,501,619, C>A on the plus strand (G>T on the coding strand, the complement: MRPL3 is on the minus strand). VCF-style: chr3-131501619-C-A. GRCh37 (hg19) VCF-style: chr3-131220463-C-A.
Other names: short protein forms Q63H.
Identifiers: ClinVar variation 2057374 (VCV002057374.1), dbSNP rs762927506, ClinGen allele CA354538955.